The following is an entry in ClinVar:

ClinVar aggregate classification (germline): Uncertain significance. Review status: criteria provided, multiple submitters, no conflicts (2 of 4 stars). 2 submissions from 2 submitters: Uncertain significance (2). Last evaluated 2022-05-23.

Conditions:
DPAGT1-congenital disorder of glycosylation. Also called: CONGENITAL DISORDER OF GLYCOSYLATION, TYPE Ij; CDG Ij; DPAGT1-CDG. Identifiers: Orphanet 86309, MedGen C2931004, MONDO:0011964, OMIM 608093.
Congenital myasthenic syndrome 13 (CMS13). Also called: Myasthenic syndrome, congenital, with tubular aggregates 2; Myasthenic syndrome, congenital, 13, with tubular aggregates. Identifiers: Orphanet 353327, Orphanet 590, MedGen C3553645, MONDO:0013883, OMIM 614750.

Allele frequency attached by ClinVar (database versions not stated): gnomAD 0.00001; gnomAD exomes 0.00001; TOPMed 0.00001; ExAC 0.00002.
gnomAD v4.1: 9 of 1,613,952 alleles (0.00056%); highest among the groups gnomAD compares: African/African-American, 0.0027%; no homozygotes.

Submissions (2):

Labcorp Genetics (formerly Invitae), Labcorp
Classification: Uncertain significance for Congenital myasthenic syndrome 13; DPAGT1-congenital disorder of glycosylation. Last evaluated: 2022-05-23. Review status: criteria provided, single submitter. Criteria: Invitae Variant Classification Sherloc (09022015). Collection method: clinical testing. Allele origin: germline.
Comment: In summary, the available evidence is currently insufficient to determine the role of this variant in disease. Therefore, it has been classified as a Variant of Uncertain Significance. Algorithms developed to predict the effect of missense changes on protein structure and function (SIFT, PolyPhen-2, Align-GVGD) all suggest that this variant is likely to be tolerated. ClinVar contains an entry for this variant (Variation ID: 302749). This variant has not been reported in the literature in individuals affected with DPAGT1-related conditions. The frequency data for this variant in the population databases is considered unreliable, as metrics indicate poor data quality at this position in the gnomAD database. This sequence change replaces histidine, which is basic and polar, with arginine, which is basic and polar, at codon 162 of the DPAGT1 protein (p.His162Arg).

Illumina Laboratory Services, Illumina
Classification: Uncertain significance for DPAGT1-congenital disorder of glycosylation. Last evaluated: 2018-01-12. Review status: criteria provided, single submitter. Criteria: ICSL Variant Classification Criteria 13 December 2019. Collection method: clinical testing. Allele origin: germline.

NM_001382.4(DPAGT1):c.485A>G (p.His162Arg)

Gene: DPAGT1 (dolichyl-phosphate N-acetylglucosaminephosphotransferase 1; minus strand). Cytogenetic location: 11q23.3.
Variant type: single nucleotide variant.
Coding change: c.485A>G on transcript NM_001382.4 (MANE Select); coding-DNA position 485, A replaced by G.
Protein change: p.His162Arg; replaces histidine 162 with arginine.
Molecular consequence: missense variant.
Genome position (GRCh38, 1-based): chr11:119,100,641, T>C on the plus strand (A>G on the coding strand, the complement: DPAGT1 is on the minus strand). VCF-style: chr11-119100641-T-C. GRCh37 (hg19) VCF-style: chr11-118971351-T-C.
Other names: short protein forms H162R.
Identifiers: ClinVar variation 302749 (VCV000302749.10), dbSNP rs775716973, ClinGen allele CA6314627.